The following is an entry in ClinVar:

NM_000551.4(VHL):c.-49C>A

Gene: VHL (von Hippel-Lindau tumor suppressor; plus strand). Cytogenetic location: 3p25.3.
Variant type: single nucleotide variant.
Coding change: c.-49C>A on transcript NM_000551.4 (MANE Select); 49 bases upstream of the start codon, C replaced by A.
Molecular consequence: 5 prime UTR variant. On other transcripts: non-coding transcript variant (1).
Genome position (GRCh38, 1-based): chr3:10,141,799, C>A. VCF-style: chr3-10141799-C-A. GRCh37 (hg19) VCF-style: chr3-10183483-C-A.
Other names: c.-49C>A (NM_001354723.2, NM_198156.3).
Identifiers: ClinVar variation 3761660 (VCV003761660.2).

ClinVar aggregate classification (germline): Uncertain significance (1 of 4 stars; one submission).

Conditions:
Chuvash polycythemia. Also called: POLYCYTHEMIA, VHL-DEPENDENT. Identifiers: Orphanet 238557, MedGen C1837915, MONDO:0009892, OMIM 263400.
Von Hippel-Lindau syndrome (VHLS). Also called: von Hippel–Lindau syndrome; VHL syndrome; Von Hippel-Lindau. Identifiers: Orphanet 892, MedGen C0019562, MONDO:0008667, OMIM 193300. Disease mechanism: loss of function.

Submission:

Labcorp Genetics (formerly Invitae), Labcorp
Classification: Uncertain significance for Von Hippel-Lindau syndrome; Chuvash polycythemia. Last evaluated: 2024-04-29. Review status: criteria provided, single submitter. Criteria: Invitae Variant Classification Sherloc (09022015). Collection method: clinical testing. Allele origin: germline.
Comment: This variant occurs in a non-coding region of the VHL gene. It does not change the encoded amino acid sequence of the VHL protein. This variant is not present in population databases (gnomAD no frequency). This variant has not been reported in the literature in individuals affected with VHL-related conditions. Experimental studies and prediction algorithms are not available or were not evaluated, and the functional significance of this variant is currently unknown. In summary, the available evidence is currently insufficient to determine the role of this variant in disease. Therefore, it has been classified as a Variant of Uncertain Significance.